The following is an entry in ClinVar:

ClinVar aggregate classification (germline): Likely benign (1 of 4 stars; one submission).

Submission:

CeGaT Center for Human Genetics Tuebingen
Classification: Likely benign. Last evaluated: 2026-01-01. Review status: criteria provided, single submitter. Criteria: CeGaT Center For Human Genetics Tuebingen Variant Classification Criteria Version 2. Collection method: clinical testing. Allele origin: germline. Affected: yes. Observed: 1 variant allele.
Comment: VPS13C: PM2:Supporting, BP4, BP7

NM_020821.3(VPS13C):c.3567G>A (p.Gln1189=)

Gene: VPS13C (vacuolar protein sorting 13 homolog C; minus strand). Cytogenetic location: 15q22.2.
Variant type: single nucleotide variant.
Coding change: c.3567G>A on transcript NM_020821.3 (MANE Select); coding-DNA position 3567, G replaced by A.
Protein change: p.Gln1189=; no amino-acid change (glutamine 1189 retained).
Molecular consequence: synonymous variant.
Genome position (GRCh38, 1-based): chr15:61,962,407, C>T on the plus strand (G>A on the coding strand, the complement: VPS13C is on the minus strand). VCF-style: chr15-61962407-C-T. GRCh37 (hg19) VCF-style: chr15-62254606-C-T.
Other names: c.3567G>A, p.Gln1189= (NM_001018088.3); c.3438G>A, p.Gln1146= (NM_017684.5, NM_018080.4).
Identifiers: ClinVar variation 4822858 (VCV004822858.4).
Genomic context (GRCh38, chr15:61,962,407, plus strand): 5'-TCAATATACAAATAATTATTTTACCAGAAGTGACATAAGGAATTTATGAAGATAGACAAT[C>T]TGAATACAGCCAACATTCAGAGACAGCACACCATCCACTTTGGACATGTCAGTATACAAA-3'
Protein context (NP_065872.1, residues 1179-1199): GVLSLNVGCI[Gln1189=]IVYLHKFLMS